The following is an entry in ClinVar:

ClinVar aggregate classification (germline): Uncertain significance. Review status: criteria provided, multiple submitters, no conflicts (2 of 4 stars). 2 submissions from 2 submitters: Uncertain significance (2). Last evaluated 2025-11-04.

Conditions:
Early-onset progressive encephalopathy-hearing loss-pons hypoplasia-brain atrophy syndrome. Also called: ENCEPHALOPATHY, PROGRESSIVE, EARLY-ONSET, WITH BRAIN ATROPHY AND SPASTICITY. Identifiers: Orphanet 500144, MedGen C5567229, MONDO:0044696, OMIM 617669.

gnomAD v4.1: 90 of 1,612,626 alleles (0.0056%); highest among the groups gnomAD compares: Middle Eastern, 0.13%; no homozygotes.

Submissions (2):

Labcorp Genetics (formerly Invitae), Labcorp
Classification: Uncertain significance. Last evaluated: 2025-11-04. Review status: criteria provided, single submitter. Criteria: Invitae Variant Classification Sherloc (09022015). Collection method: clinical testing. Allele origin: germline.
Comment: This sequence change falls in intron 6 of the TRAPPC12 gene. It does not directly change the encoded amino acid sequence of the TRAPPC12 protein. It affects a nucleotide within the consensus splice site. This variant is present in population databases (rs199724929, gnomAD 0.02%). This variant has not been reported in the literature in individuals affected with TRAPPC12-related conditions. ClinVar contains an entry for this variant (Variation ID: 3586564). Variants that disrupt the consensus splice site are a relatively common cause of aberrant splicing (PMID: 17576681, 9536098). Algorithms developed to predict the effect of sequence changes on RNA splicing suggest that this variant is not likely to affect RNA splicing. In summary, the available evidence is currently insufficient to determine the role of this variant in disease. Therefore, it has been classified as a Variant of Uncertain Significance.

Fulgent Genetics
Classification: Uncertain significance for Early-onset progressive encephalopathy-hearing loss-pons hypoplasia-brain atrophy syndrome. Last evaluated: 2024-01-09. Review status: criteria provided, single submitter. Criteria: ACMG Guidelines, 2015. Collection method: clinical testing. Allele origin: germline.

Literature cited by the submitters: PubMed 17576681 (cited by Labcorp Genetics (formerly Invitae), Labcorp); PubMed 9536098 (cited by Labcorp Genetics (formerly Invitae), Labcorp).

NM_016030.6(TRAPPC12):c.1531-3C>T

Gene: TRAPPC12 (trafficking protein particle complex subunit 12; plus strand). Cytogenetic location: 2p25.3.
Variant type: single nucleotide variant.
Coding change: c.1531-3C>T on transcript NM_016030.6 (MANE Select); 3 bases into the intron before coding-DNA position 1531, C replaced by T.
Molecular consequence: intron variant.
Genome position (GRCh38, 1-based): chr2:3,457,618, C>T. VCF-style: chr2-3457618-C-T. GRCh37 (hg19) VCF-style: chr2-3461389-C-T.
Other names: c.1531-3C>T (NM_001321102.2).
Identifiers: ClinVar variation 3586564 (VCV003586564.2).